The following is an entry in ClinVar:

ClinVar aggregate classification (germline): Uncertain significance (1 of 4 stars; one submission).

Conditions:
Familial hypocalciuric hypercalcemia (FHH). Also called: Familial benign hypercalcemia. Identifiers: Orphanet 405, MedGen C1809471, MONDO:0018458.
Autosomal dominant hypocalcemia 1 (HYPOC1). Also called: HYPOCALCEMIA, FAMILIAL. Identifiers: MedGen C3715128, MONDO:0011013, OMIM 601198.

gnomAD v4.1: 1 of 1,614,150 alleles (0.000062%); highest among the groups gnomAD compares: Non-Finnish European, 0.000085%; no homozygotes.

Submission:

Labcorp Genetics (formerly Invitae), Labcorp
Classification: Uncertain significance for Familial hypocalciuric hypercalcemia; Autosomal dominant hypocalcemia 1. Last evaluated: 2020-01-29. Review status: criteria provided, single submitter. Criteria: Invitae Variant Classification Sherloc (09022015). Collection method: clinical testing. Allele origin: germline.
Comment: In summary, the available evidence is currently insufficient to determine the role of this variant in disease. Therefore, it has been classified as a Variant of Uncertain Significance. Algorithms developed to predict the effect of missense changes on protein structure and function are either unavailable or do not agree on the potential impact of this missense change (SIFT: "Deleterious"; PolyPhen-2: "Probably Damaging"; Align-GVGD: "Class C15"). This variant has not been reported in the literature in individuals with CASR-related conditions. This variant is not present in population databases (ExAC no frequency). This sequence change replaces isoleucine with phenylalanine at codon 32 of the CASR protein (p.Ile32Phe). The isoleucine residue is highly conserved and there is a small physicochemical difference between isoleucine and phenylalanine.

NM_000388.4(CASR):c.94A>T (p.Ile32Phe)

Gene: CASR (calcium sensing receptor; plus strand). Cytogenetic location: 3q21.1.
Variant type: single nucleotide variant.
Coding change: c.94A>T on transcript NM_000388.4 (MANE Select); coding-DNA position 94, A replaced by T.
Protein change: p.Ile32Phe; replaces isoleucine 32 with phenylalanine.
Molecular consequence: missense variant.
Genome position (GRCh38, 1-based): chr3:122,254,283, A>T. VCF-style: chr3-122254283-A-T. GRCh37 (hg19) VCF-style: chr3-121973130-A-T.
Other names: c.94A>T, p.Ile32Phe (NM_001178065.2); short protein forms I32F.
Identifiers: ClinVar variation 1037810 (VCV001037810.10), dbSNP rs2074529687, ClinGen allele CA354362118.